The following is an entry in ClinVar:

NM_001352514.2(HLCS):c.2044G>T (p.Gly682Ter)

Gene: HLCS (holocarboxylase synthetase; minus strand). Cytogenetic location: 21q22.13.
Variant type: single nucleotide variant.
Coding change: c.2044G>T on transcript NM_001352514.2 (MANE Select); coding-DNA position 2044, G replaced by T.
Protein change: p.Gly682Ter; replaces glycine 682 with a stop codon.
Molecular consequence: nonsense. On other transcripts: non-coding transcript variant (2).
Genome position (GRCh38, 1-based): chr21:36,765,089, C>A on the plus strand (G>T on the coding strand, the complement: HLCS is on the minus strand). VCF-style: chr21-36765089-C-A. GRCh37 (hg19) VCF-style: chr21-38137390-C-A.
Other names: c.1603G>T, p.Gly535Ter (NM_000411.8, NM_001242784.3, NM_001242785.2 and 4 more transcripts); short protein forms G535*, G682*.
Identifiers: ClinVar variation 983891 (VCV000983891.3), dbSNP rs1324486146, ClinGen allele CA409920923.

ClinVar aggregate classification (germline): Likely pathogenic (1 of 4 stars; one submission).

Conditions:
Holocarboxylase synthetase deficiency. Also called: MULTIPLE CARBOXYLASE DEFICIENCY, EARLY ONSET. Identifiers: Orphanet 79242, MedGen C0268581, MONDO:0009666, OMIM 253270.

Submission:

Myriad Genetics, Inc.
Classification: Likely pathogenic for Holocarboxylase synthetase deficiency. Last evaluated: 2019-06-05. Review status: criteria provided, single submitter. Criteria: Myriad Women's Health Autosomal Recessive and X-Linked Classification Criteria (2019). Collection method: clinical testing. Allele origin: unknown.
Comment: NM_000411.6(HLCS):c.1603G>T(G535*) is expected to be pathogenic in the context of holocarboxylase synthetase deficiency. This variant is predicted to lead to an abnormal or absent protein product due to the creation of a premature termination codon in HLCS, a gene where loss-of-function variants are known to be pathogenic. Please note: this variant was assessed in the context of healthy population screening.